The following is an entry in ClinVar:

ClinVar aggregate classification (germline): Uncertain significance (1 of 4 stars; one submission).

gnomAD v4.1: 14 of 1,614,184 alleles (0.00087%); highest among the groups gnomAD compares: South Asian, 0.015%; no homozygotes.

Submission:

Ambry Genetics
Classification: Uncertain significance. Last evaluated: 2024-03-22. Review status: criteria provided, single submitter. Criteria: Ambry Variant Classification Scheme 2023. Collection method: clinical testing. Allele origin: germline.
Comment: The p.Q1248H variant (also known as c.3744G>C), located in coding exon 17 of the NPAT gene, results from a G to C substitution at nucleotide position 3744. The glutamine at codon 1248 is replaced by histidine, an amino acid with highly similar properties. This amino acid position is conserved. In addition, this alteration is predicted to be tolerated by in silico analysis. Based on the available evidence, the clinical significance of this alteration remains unclear.

NM_002519.3(NPAT):c.3744G>C (p.Gln1248His)

Gene: NPAT (nuclear protein, coactivator of histone transcription; minus strand). Cytogenetic location: 11q22.3.
Variant type: single nucleotide variant.
Coding change: c.3744G>C on transcript NM_002519.3 (MANE Select); coding-DNA position 3744, G replaced by C.
Protein change: p.Gln1248His; replaces glutamine 1248 with histidine.
Molecular consequence: missense variant.
Genome position (GRCh38, 1-based): chr11:108,161,342, C>G on the plus strand (G>C on the coding strand, the complement: NPAT is on the minus strand). VCF-style: chr11-108161342-C-G. GRCh37 (hg19) VCF-style: chr11-108032069-C-G.
Other names: c.3765G>C, p.Gln1255His (NM_001321307.1); short protein forms Q1248H, Q1255H.
Identifiers: ClinVar variation 3300609 (VCV003300609.1).